The following continues an entry in ClinVar:

NM_000152.5(GAA):c.118C>T (p.Arg40Ter)

Gene: GAA. ClinVar aggregate classification (germline): Pathogenic. Pathogenic (1).

Submissions 10 to 11 of 11:

Broad Center for Mendelian Genomics, Broad Institute of MIT and Harvard
Classification: Pathogenic for Glycogen storage disease, type II. Last evaluated: 2019-11-18. Review status: criteria provided, single submitter. Criteria: ACMG Guidelines, 2015. Collection method: curation. Allele origin: germline. Inheritance: Autosomal recessive inheritance. Not counted in ClinVar's aggregate classification.
Comment: Although this variant has been seen in the general population, its frequency is low enough to be consistent with a recessive carrier frequency. This variant has also been reported pathogenic in ClinVar by GeneDx and Integrated Genetics/Laboratory Corporation of America (Variation ID: 426593). This nonsense variant leads to a premature termination codon at position 40, which is predicted to lead to a truncated or absent protein. Loss of function of the GAA gene is an established disease mechanism in autosomal recessive Glycogen Storage Disease II. The presence of this variant in combination with a reported pathogenic variant and in the homozygous state in individuals with Glycogen Storage Disease II increases the likelihood that the p.Arg40Ter variant is pathogenic (PMID: 17723315, 22958975, 22676651). The phenotype of individuals homozygous and compound heterozygous for this variant is highly specific for Glycogen Storage Disease II based on low relative GAA activity consistent with disease (PMID: 22676651, 22958975, 24107549, 17723315). In summary, this variant meets criteria to be classified as pathogenic for Glycogen Storage Disease II in an autosomal recessive manner based on the predicted impact of this variant and multiple occurrences with pathogenic variants in individuals with Glycogen Storage Disease II. ACMG/AMP Criteria applied: PVS1, PM3, PP4, PM2 (Richards 2015).

Women's Health and Genetics/Laboratory Corporation of America, LabCorp
Classification: Pathogenic for Glycogen storage disease, type II. Last evaluated: 2016-02-03. Review status: criteria provided, single submitter. Criteria: LabCorp Variant Classification Summary - May 2015. Collection method: clinical testing. Allele origin: germline. Not counted in ClinVar's aggregate classification.
Comment: Variant summary: The c.118C>T variant in GAA is a nonsense mutation. The mutation is predicted to lead to a truncated/absent protein. It has been reported in multiple affected individuals with Pompe disease, including homozygous pt with classic infantile onset and nearly absent residual enzyme activity. The variant is present in ExAC at low frequency (0.0009%) which does not exceed the maximum frequency for a pathogenic variant in GAA gene (0.42%). Lastly, it has been classified as pathogenic via publications and/or reputable databases/clinical laboratories. Taken together, the variant was classified as Pathogenic.

Literature cited by the submitters: PubMed 24269976 (cited by 3 submitters); PubMed 24107549 (cited by 7 submitters); PubMed 22958975 (cited by 3 submitters); PubMed 22676651 (cited by 4 submitters); PubMed 29869463 (cited by ClinGen Lysosomal Storage Disorder Variant Curation Expert Panel); PubMed 39273088 (cited by Genomenon, Inc); PubMed 39213226 (cited by Genomenon, Inc); PubMed 38162137 (cited by Genomenon, Inc); PubMed 37087815 (cited by Genomenon, Inc); PubMed 31545528 (cited by Genomenon, Inc); PubMed 20559845 (cited by Genomenon, Inc and Broad Center for Mendelian Genomics, Broad Institute of MIT and Harvard); PubMed 30655185 (cited by Genomenon, Inc); PubMed 9266392 (cited by 3 submitters); PubMed 29124014 (cited by Genomenon, Inc and Labcorp Genetics (formerly Invitae), Labcorp); PubMed 17723315 (cited by 3 submitters); PubMed 20033296 (cited by Genomenon, Inc); PubMed 25673129 (cited by Genomenon, Inc); PubMed 22081099 (cited by Genomenon, Inc); PubMed 18425781 (cited by Labcorp Genetics (formerly Invitae), Labcorp); PubMed 22252923 (cited by Labcorp Genetics (formerly Invitae), Labcorp); PubMed 11071489 (cited by Broad Center for Mendelian Genomics, Broad Institute of MIT and Harvard); PubMed 7603530 (cited by Broad Center for Mendelian Genomics, Broad Institute of MIT and Harvard and Women's Health and Genetics/Laboratory Corporation of America, LabCorp).